The following is an entry in ClinVar:

ClinVar aggregate classification (germline): Uncertain significance. Review status: criteria provided, multiple submitters, no conflicts (2 of 4 stars). 5 submissions from 5 submitters: Uncertain significance (4). 1 of the submissions does not count toward it. Last evaluated 2025-06-27.

Conditions:
Fanconi anemia (FA). Also called: Fanconi's anemia. Identifiers: Orphanet 84, MedGen C0015625, MeSH D005199, MONDO:0019391.
Hereditary cancer-predisposing syndrome. Also called: Tumor predisposition; Hereditary Cancer Syndrome; Hereditary neoplastic syndrome; Neoplastic Syndromes, Hereditary. Identifiers: Orphanet 140162, MedGen C0027672, MeSH D009386, MONDO:0015356.

Allele frequency attached by ClinVar (database versions not stated): gnomAD exomes below 0.00001 and 0.00001; gnomAD 0.00001; TOPMed 0.00002.
gnomAD v4.1: 10 of 1,610,826 alleles (0.00062%); highest among the groups gnomAD compares: Non-Finnish European, 0.00085%; no homozygotes.

Submissions (5):

Ambry Genetics
Classification: Uncertain significance for Hereditary cancer-predisposing syndrome. Last evaluated: 2025-06-27. Review status: criteria provided, single submitter. Criteria: Ambry Variant Classification Scheme 2023. Collection method: clinical testing. Allele origin: germline.
Comment: The p.K88Q variant (also known as c.262A>C), located in coding exon 3 of the FANCC gene, results from an A to C substitution at nucleotide position 262. The lysine at codon 88 is replaced by glutamine, an amino acid with similar properties. This amino acid position is well conserved in available vertebrate species. In addition, this alteration is predicted to be tolerated by in silico analysis. Since supporting evidence is limited at this time, the clinical significance of this alteration remains unclear.

Quest Diagnostics Nichols Institute San Juan Capistrano
Classification: Uncertain significance. Last evaluated: 2025-04-30. Review status: criteria provided, single submitter. Criteria: Quest Diagnostics criteria. Collection method: clinical testing. Allele origin: unknown.
Comment: The FANCC c.262A>C (p.Lys88Gln) variant has been reported in a large scale case-control study in a breast cancer case as well as in a reportedly unaffected individual (PMID: 33471991 (2021), see also LOVD). The frequency of this variant in the general population (Genome Aggregation Database) is uninformative in the assessment of its pathogenicity. Analysis of this variant using bioinformatics tools for the prediction of the effect of amino acid changes on protein structure and function yielded conflicting predictions that this variant is benign or damaging. Based on the available information, we are unable to determine the clinical significance of this variant.

Labcorp Genetics (formerly Invitae), Labcorp
Classification: Uncertain significance for Fanconi anemia. Last evaluated: 2024-05-29. Review status: criteria provided, single submitter. Criteria: Invitae Variant Classification Sherloc (09022015). Collection method: clinical testing. Allele origin: germline.
Comment: This sequence change replaces lysine, which is basic and polar, with glutamine, which is neutral and polar, at codon 88 of the FANCC protein (p.Lys88Gln). This variant is present in population databases (no rsID available, gnomAD 0.002%). This variant has not been reported in the literature in individuals affected with FANCC-related conditions. ClinVar contains an entry for this variant (Variation ID: 409661). Advanced modeling of protein sequence and biophysical properties (such as structural, functional, and spatial information, amino acid conservation, physicochemical variation, residue mobility, and thermodynamic stability) performed at Invitae indicates that this missense variant is not expected to disrupt FANCC protein function with a negative predictive value of 80%. In summary, the available evidence is currently insufficient to determine the role of this variant in disease. Therefore, it has been classified as a Variant of Uncertain Significance.

Genetic Services Laboratory, University of Chicago
Classification: Uncertain significance. Last evaluated: 2015-10-05. Review status: criteria provided, single submitter. Criteria: ACMG Guidelines, 2015. Collection method: clinical testing. Allele origin: germline. Affected: no.

Natera, Inc.
Classification: Uncertain significance for Fanconi anemia. Last evaluated: 2021-07-19. Review status: no assertion criteria provided. Collection method: clinical testing. Allele origin: germline. Not counted in ClinVar's aggregate classification.

Literature cited by the submitters: PubMed 33471991 (cited by Quest Diagnostics Nichols Institute San Juan Capistrano).

NM_000136.3(FANCC):c.262A>C (p.Lys88Gln)

Gene: FANCC (FA complementation group C; minus strand). Cytogenetic location: 9q22.32.
Variant type: single nucleotide variant.
Coding change: c.262A>C on transcript NM_000136.3 (MANE Select); coding-DNA position 262, A replaced by C.
Protein change: p.Lys88Gln; replaces lysine 88 with glutamine.
Molecular consequence: missense variant.
Genome position (GRCh38, 1-based): chr9:95,240,732, T>G on the plus strand (A>C on the coding strand, the complement: FANCC is on the minus strand). VCF-style: chr9-95240732-T-G. GRCh37 (hg19) VCF-style: chr9-98003014-T-G.
Other names: c.262A>C, p.Lys88Gln (NM_001243743.2, NM_001243744.2); short protein forms K88Q.
Identifiers: ClinVar variation 409661 (VCV000409661.20), dbSNP rs1060502519, ClinGen allele CA16612816.